The following is an entry in ClinVar:

NM_001375524.1(TRRAP):c.634-3C>T

Gene: TRRAP (transformation/transcription domain associated protein; plus strand). Cytogenetic location: 7q22.1.
Variant type: single nucleotide variant.
Coding change: c.634-3C>T on transcript NM_001375524.1 (MANE Select); 3 bases into the intron before coding-DNA position 634, C replaced by T.
Molecular consequence: intron variant.
Genome position (GRCh38, 1-based): chr7:98,899,419, C>T. VCF-style: chr7-98899419-C-T. GRCh37 (hg19) VCF-style: chr7-98497042-C-T.
Other names: c.634-3C>T (NM_001244580.2, NM_003496.4, NM_003496.3 and 1 more transcripts).
Identifiers: ClinVar variation 1690872 (VCV001690872.37), dbSNP rs113339948, ClinGen allele CA4359325.
Genomic context (GRCh38, chr7:98,899,419, plus strand): 5'-CTGGTGGGGGCTATTTTAAATGCCACAATGGTAACCCGGGTCCTACCCATTTCTGTCTTC[C>T]AGCATTCCATCATTCCGAGGGGATCACTTTCTCTGAAAGTGTTGGCAGAATTGCCCATTA-3'

ClinVar aggregate classification (germline): Conflicting classifications of pathogenicity. Review status: criteria provided, conflicting classifications (1 of 4 stars). 7 submissions from 7 submitters: Uncertain significance (2); Benign (1); Likely benign (3). 1 of the submissions does not count toward it. Last evaluated 2026-06-09.

Conditions:
TRRAP-related disorder. Also called: TRRAP-related condition.
Inborn genetic diseases. Identifiers: MedGen C0950123, MeSH D030342.

Allele frequency attached by ClinVar (database versions not stated): gnomAD 0.00023 and 0.00024; gnomAD exomes 0.00028 and 0.00018; ExAC 0.00012; ESP Exome Variant Server 0.00015; TOPMed 0.00022.
gnomAD v4.1: 447 of 1,613,986 alleles (0.028%); highest among the groups gnomAD compares: Middle Eastern, 0.049%; no homozygotes.

Submissions (7):

Ambry Genetics
Classification: Likely benign for Inborn genetic diseases. Last evaluated: 2026-06-09. Review status: criteria provided, single submitter. Criteria: Ambry Variant Classification Scheme 2023. Collection method: clinical testing. Allele origin: germline.

Labcorp Genetics (formerly Invitae), Labcorp
Classification: Benign. Last evaluated: 2025-12-15. Review status: criteria provided, single submitter. Criteria: Invitae Variant Classification Sherloc (09022015). Collection method: clinical testing. Allele origin: germline.

Blueprint Genetics
Classification: Likely benign. Last evaluated: 2024-11-04. Review status: criteria provided, single submitter. Criteria: ACMG Guidelines, 2015. Collection method: clinical testing. Allele origin: germline.

CeGaT Center for Human Genetics Tuebingen
Classification: Likely benign. Last evaluated: 2023-11-01. Review status: criteria provided, single submitter. Criteria: CeGaT Center For Human Genetics Tuebingen Variant Classification Criteria Version 2. Collection method: clinical testing. Allele origin: germline. Affected: yes. Observed: 2 variant alleles.
Comment: TRRAP: BP4

Laboratorio de Genetica e Diagnostico Molecular, Hospital Israelita Albert Einstein
Classification: Uncertain significance. Last evaluated: 2020-04-22. Review status: criteria provided, single submitter. Criteria: ACMG Guidelines, 2015. Collection method: clinical testing. Allele origin: germline. Affected: yes.
Comment: ACMG classification criteria: BP4

Revvity Omics, Revvity
Classification: Uncertain significance. Last evaluated: 2019-08-23. Review status: criteria provided, single submitter. Criteria: ACMG Guidelines, 2015. Collection method: clinical testing. Allele origin: germline.

PreventionGenetics, part of Exact Sciences
Classification: Likely benign for TRRAP-related condition. Last evaluated: 2019-02-21. Review status: no assertion criteria provided. Collection method: clinical testing. Allele origin: germline. Not counted in ClinVar's aggregate classification.
Comment: This variant is classified as likely benign based on ACMG/AMP sequence variant interpretation guidelines (Richards et al. 2015 PMID: 25741868, with internal and published modifications).